The following is an entry in ClinVar:

ClinVar aggregate classification (germline): Likely benign (1 of 4 stars; one submission).

gnomAD v4.1: 16 of 1,605,960 alleles (0.001%); highest among the groups gnomAD compares: South Asian, 0.017%; no homozygotes.

Submission:

CeGaT Center for Human Genetics Tuebingen
Classification: Likely benign. Last evaluated: 2025-08-01. Review status: criteria provided, single submitter. Criteria: CeGaT Center For Human Genetics Tuebingen Variant Classification Criteria Version 2. Collection method: clinical testing. Allele origin: germline. Affected: yes. Observed: 1 variant allele.
Comment: CHD3: BP4

NM_001005273.3(CHD3):c.4789G>A (p.Ala1597Thr)

Gene: CHD3 (chromodomain helicase DNA binding protein 3; plus strand). Cytogenetic location: 17p13.1.
Variant type: single nucleotide variant.
Coding change: c.4789G>A on transcript NM_001005273.3 (MANE Select); coding-DNA position 4789, G replaced by A.
Protein change: p.Ala1597Thr; replaces alanine 1597 with threonine.
Molecular consequence: missense variant.
Genome position (GRCh38, 1-based): chr17:7,907,353, G>A. VCF-style: chr17-7907353-G-A. GRCh37 (hg19) VCF-style: chr17-7810671-G-A.
Other names: c.4966G>A, p.Ala1656Thr (NM_001005271.3, NM_001437504.1); c.4954G>A, p.Ala1652Thr (NM_001437507.1, NM_001437508.1, NM_001437509.1); c.4789G>A, p.Ala1597Thr (NM_005852.4); short protein forms A1597T, A1652T, A1656T.
Identifiers: ClinVar variation 4085035 (VCV004085035.8).